The following is an entry in ClinVar:

ClinVar aggregate classification (germline): Uncertain significance (1 of 4 stars; one submission).

Submission:

CeGaT Center for Human Genetics Tuebingen
Classification: Uncertain significance. Last evaluated: 2024-08-01. Review status: criteria provided, single submitter. Criteria: CeGaT Center For Human Genetics Tuebingen Variant Classification Criteria Version 2. Collection method: clinical testing. Allele origin: germline. Affected: yes. Observed: 1 variant allele.
Comment: LTBP4: PM2

NM_001042545.2(LTBP4):c.1784C>A (p.Ala595Asp)

Gene: LTBP4 (latent transforming growth factor beta binding protein 4; plus strand). Cytogenetic location: 19q13.2.
Variant type: single nucleotide variant.
Coding change: c.1784C>A on transcript NM_001042545.2 (MANE Select); coding-DNA position 1784, C replaced by A.
Protein change: p.Ala595Asp; replaces alanine 595 with aspartic acid.
Molecular consequence: missense variant.
Genome position (GRCh38, 1-based): chr19:40,610,631, C>A. VCF-style: chr19-40610631-C-A. GRCh37 (hg19) VCF-style: chr19-41116537-C-A.
Other names: c.1985C>A, p.Ala662Asp (NM_001042544.1); c.1874C>A, p.Ala625Asp (NM_003573.2); short protein forms A595D, A625D, A662D.
Identifiers: ClinVar variation 3342111 (VCV003342111.16).